The following is an entry in ClinVar:

NM_003590.5(CUL3):c.1471_1473delinsGT (p.Leu491fs)

Gene: CUL3 (cullin 3; minus strand). Cytogenetic location: 2q36.2.
Variant type: Indel.
Coding change: c.1471_1473delinsGT on transcript NM_003590.5 (MANE Select); coding-DNA positions 1471 to 1473, CTA replaced by GT.
Protein change: p.Leu491fs; shifts the reading frame from leucine 491.
Molecular consequence: frameshift variant.
Genome position (GRCh38, 1-based): chr2:224,502,977-224,502,979, TAG replaced by AC on the plus strand (CTA replaced by GT on the coding strand, the reverse complement: CUL3 is on the minus strand). VCF-style: chr2-224502977-TAG-AC. GRCh37 (hg19) VCF-style: chr2-225367694-TAG-AC.
Other names: c.1273_1275delinsGT, p.Leu425fs (NM_001257197.2); c.1489_1491delinsGT, p.Leu497fs (NM_001257198.2); short protein forms L425fs, L491fs, L497fs.
Identifiers: ClinVar variation 4856331 (VCV004856331.1).

ClinVar aggregate classification (germline): Likely pathogenic (1 of 4 stars; one submission).

Conditions:
Neurodevelopmental disorder with or without autism or seizures (NEDAUS). Identifiers: MedGen C5543225, MONDO:0030994, OMIM 619239.

Submission:

3billion
Classification: Likely pathogenic for Neurodevelopmental disorder with or without autism or seizures. Last evaluated: 2025-06-12. Review status: criteria provided, single submitter. Criteria: ACMG Guidelines, 2015. Collection method: clinical testing. Allele origin: germline. Affected: yes.
Comment: The variant is not observed in the gnomAD v4.1.0 dataset. Predicted Consequence/Location: Frameshift: predicted to result in a loss or disruption of normal protein function through nonsense-mediated decay (NMD) or protein truncation. Multiple pathogenic variants are reported downstream of the variant. Therefore, this variant is classified as Likely pathogenic according to the recommendation of ACMG/AMP guideline.